The following is an entry in ClinVar:

NM_002617.4(PEX10):c.470G>A (p.Arg157Lys)

Gene: PEX10 (peroxisomal biogenesis factor 10; minus strand). Cytogenetic location: 1p36.32.
Variant type: single nucleotide variant.
Coding change: c.470G>A on transcript NM_002617.4 (MANE Select); coding-DNA position 470, G replaced by A.
Protein change: p.Arg157Lys; replaces arginine 157 with lysine.
Molecular consequence: missense variant. On other transcripts: non-coding transcript variant (1).
Genome position (GRCh38, 1-based): chr1:2,408,582, C>T on the plus strand (G>A on the coding strand, the complement: PEX10 is on the minus strand). VCF-style: chr1-2408582-C-T. GRCh37 (hg19) VCF-style: chr1-2340021-C-T.
Other names: c.470G>A, p.Arg157Lys (NM_001374425.1, NM_153818.2); c.38G>A, p.Arg13Lys (NM_001374426.1, NM_001374427.1); short protein forms R157K, R13K.
Identifiers: ClinVar variation 972560 (VCV000972560.6), dbSNP rs772618705, ClinGen allele CA538163.

ClinVar aggregate classification (germline): Uncertain significance. Review status: criteria provided, multiple submitters, no conflicts (2 of 4 stars). 4 submissions from 4 submitters: Uncertain significance (3). 1 of the submissions does not count toward it. Last evaluated 2024-12-21.

Conditions:
Inborn genetic diseases. Identifiers: MedGen C0950123, MeSH D030342.
Zellweger spectrum disorders (ZS). Also called: Zellweger Spectrum Disorder; Zellweger Spectrum; Zellweger syndrome; Zellweger Spectrum Disorder (ZSD). Identifiers: Orphanet 912, MedGen C0043459, MONDO:0019609.
PEX10-related disorder. Also called: PEX10-related condition.
Peroxisome biogenesis disorder, complementation group 7 (CG7). Also called: Peroxisome biogenesis disorder, complementation group B. Identifiers: MedGen C1864399.

Allele frequency attached by ClinVar (database versions not stated): gnomAD 0.00002; ExAC 0.00004; gnomAD exomes 0.00004 and 0.00005; TOPMed 0.00004.

Submissions (4):

Ambry Genetics
Classification: Uncertain significance for Inborn genetic diseases. Last evaluated: 2024-12-21. Review status: criteria provided, single submitter. Criteria: Ambry Variant Classification Scheme 2023. Collection method: clinical testing. Allele origin: germline.

PreventionGenetics, part of Exact Sciences
Classification: Uncertain significance for PEX10-related condition. Last evaluated: 2022-10-07. Review status: criteria provided, single submitter. Criteria: ACMG Guidelines, 2015. Collection method: clinical testing. Allele origin: germline.
Comment: The PEX10 c.470G>A variant is predicted to result in the amino acid substitution p.Arg157Lys. To our knowledge, this variant has not been reported in the literature. This variant is reported in 0.0090% of alleles in individuals of European (Non-Finnish) descent in gnomAD. At this time, the clinical significance of this variant is uncertain due to the absence of conclusive functional and genetic evidence.

Labcorp Genetics (formerly Invitae), Labcorp
Classification: Uncertain significance for Peroxisome biogenesis disorder, complementation group 7. Last evaluated: 2022-08-12. Review status: criteria provided, single submitter. Criteria: Invitae Variant Classification Sherloc (09022015). Collection method: clinical testing. Allele origin: germline.
Comment: This sequence change replaces arginine, which is basic and polar, with lysine, which is basic and polar, at codon 157 of the PEX10 protein (p.Arg157Lys). This variant is present in population databases (rs772618705, gnomAD 0.009%). This variant has not been reported in the literature in individuals affected with PEX10-related conditions. ClinVar contains an entry for this variant (Variation ID: 972560). Algorithms developed to predict the effect of missense changes on protein structure and function output the following: SIFT: "Tolerated"; PolyPhen-2: "Benign"; Align-GVGD: "Class C0". The lysine amino acid residue is found in multiple mammalian species, which suggests that this missense change does not adversely affect protein function. In summary, the available evidence is currently insufficient to determine the role of this variant in disease. Therefore, it has been classified as a Variant of Uncertain Significance.

Natera, Inc.
Classification: Uncertain significance for Zellweger syndrome. Last evaluated: 2020-02-12. Review status: no assertion criteria provided. Collection method: clinical testing. Allele origin: germline. Not counted in ClinVar's aggregate classification.